The following is an entry in ClinVar:

ClinVar aggregate classification (germline): Conflicting classifications of pathogenicity. Review status: criteria provided, conflicting classifications (1 of 4 stars). 5 submissions from 5 submitters: Uncertain significance (4); Likely benign (1). Last evaluated 2026-04-06.

Conditions:
COL6A2-related disorder.
Bethlem myopathy 1A. Also called: Bethlem Muscular Dystrophy; MYOPATHY, BENIGN CONGENITAL, WITH CONTRACTURES; Bethlem myopathy 1. Identifiers: Orphanet 610, MedGen CN029274, MONDO:0024530, OMIM 158810.

Allele frequency attached by ClinVar (database versions not stated): ExAC 0.00006; ESP Exome Variant Server 0.00008; gnomAD exomes 0.00008; gnomAD 0.00012 and 0.00013; TOPMed 0.00023; 1000 Genomes Project 0.00060; 1000 Genomes Project 30x 0.00062.
gnomAD v4.1: 95 of 1,606,426 alleles (0.0059%); highest among the groups gnomAD compares: Admixed American, 0.038%; no homozygotes.

Submissions (5):

PreventionGenetics, part of Exact Sciences
Classification: Uncertain significance for COL6A2-related condition. Last evaluated: 2026-04-06. Review status: criteria provided, single submitter. Criteria: ACMG Guidelines, 2015. Collection method: clinical testing. Allele origin: germline.
Comment: The COL6A2 c.2960C>T variant is predicted to result in the amino acid substitution p.Thr987Met. This variant was reported in a limb girdle muscular dystrophy cohort (Supplemental Table S7, Nallamilli et al. 2018. PubMed ID: 30564623). This variant is reported in 0.016% of alleles in individuals of South Asian descent in gnomAD. At this time, the clinical significance of this variant is uncertain due to the absence of conclusive functional and genetic evidence.

Labcorp Genetics (formerly Invitae), Labcorp
Classification: Likely benign for Bethlem myopathy 1A. Last evaluated: 2026-01-19. Review status: criteria provided, single submitter. Criteria: Invitae Variant Classification Sherloc (09022015). Collection method: clinical testing. Allele origin: germline.

GeneDx
Classification: Uncertain significance. Last evaluated: 2023-08-23. Review status: criteria provided, single submitter. Criteria: GeneDx Variant Classification Process June 2021. Collection method: clinical testing. Allele origin: germline. Affected: yes.
Comment: Identified in the heterozygous state in one individual from a cohort of patients with clinically suspected limb-girdle muscular dystrophy (Nallamilli et al., 2018); In silico analysis supports that this missense variant does not alter protein structure/function; This variant is associated with the following publications: (PMID: 30564623)

Revvity Omics, Revvity
Classification: Uncertain significance. Last evaluated: 2021-12-17. Review status: criteria provided, single submitter. Criteria: ACMG Guidelines, 2015. Collection method: clinical testing. Allele origin: germline.

Eurofins Ntd Llc (ga)
Classification: Uncertain significance. Last evaluated: 2018-01-24. Review status: criteria provided, single submitter. Criteria: EGL Classification Definitions 2015. Collection method: clinical testing. Allele origin: germline. Observed: 6 variant alleles, 6 heterozygotes.

NM_001849.4(COL6A2):c.2960C>T (p.Thr987Met)

Gene: COL6A2 (collagen type VI alpha 2 chain; plus strand). Cytogenetic location: 21q22.3.
Variant type: single nucleotide variant.
Coding change: c.2960C>T on transcript NM_001849.4 (MANE Select); coding-DNA position 2960, C replaced by T.
Protein change: p.Thr987Met; replaces threonine 987 with methionine.
Molecular consequence: missense variant.
Genome position (GRCh38, 1-based): chr21:46,132,452, C>T. VCF-style: chr21-46132452-C-T. GRCh37 (hg19) VCF-style: chr21-47552366-C-T.
Other names: short protein forms T987M.
Identifiers: ClinVar variation 281946 (VCV000281946.24), dbSNP rs199955442, ClinGen allele CA10073115.